The following is an entry in ClinVar:

NM_004006.3(DMD):c.3426C>A (p.Cys1142Ter)

Gene: DMD (dystrophin; minus strand). Cytogenetic location: Xp21.1.
Variant type: single nucleotide variant.
Coding change: c.3426C>A on transcript NM_004006.3 (MANE Select); coding-DNA position 3426, C replaced by A.
Protein change: p.Cys1142Ter; replaces cysteine 1142 with a stop codon.
Molecular consequence: nonsense.
Genome position (GRCh38, 1-based): chrX:32,463,445, G>T on the plus strand (C>A on the coding strand, the complement: DMD is on the minus strand). VCF-style: chrX-32463445-G-T. GRCh37 (hg19) VCF-style: chrX-32481562-G-T.
Other names: c.3402C>A, p.Cys1134Ter (NM_000109.4); c.3414C>A, p.Cys1138Ter (NM_004009.3); c.3057C>A, p.Cys1019Ter (NM_004010.3); short protein forms C1019*, C1134*, C1138*, C1142*.
Identifiers: ClinVar variation 1069390 (VCV001069390.10), dbSNP rs2148418171, ClinGen allele CA412664301.

ClinVar aggregate classification (germline): Pathogenic (1 of 4 stars; one submission).

Conditions:
Duchenne muscular dystrophy (DMD). Also called: MUSCULAR DYSTROPHY, PSEUDOHYPERTROPHIC PROGRESSIVE, DUCHENNE TYPE; Duchenne Muscular Dystrophy (DMD). Identifiers: Orphanet 98896, MedGen C0013264, MONDO:0010679, OMIM 310200.

Submission:

Labcorp Genetics (formerly Invitae), Labcorp
Classification: Pathogenic for Duchenne muscular dystrophy. Last evaluated: 2021-08-06. Review status: criteria provided, single submitter. Criteria: Invitae Variant Classification Sherloc (09022015). Collection method: clinical testing. Allele origin: germline.
Comment: This sequence change creates a premature translational stop signal (p.Cys1142*) in the DMD gene. It is expected to result in an absent or disrupted protein product. This variant is not present in population databases (ExAC no frequency). This variant has been observed in individual(s) with Duchenne muscular dystrophy (PMID: 29973226). Loss-of-function variants in DMD are known to be pathogenic (PMID: 16770791, 25007885). For these reasons, this variant has been classified as Pathogenic.

Literature cited by the submitters: PubMed 29973226; PubMed 16770791; PubMed 25007885.